The following is an entry in ClinVar:

NM_002303.6(LEPR):c.370+10A>G

Gene: LEPR (leptin receptor; plus strand). Cytogenetic location: 1p31.3.
Variant type: single nucleotide variant.
Coding change: c.370+10A>G on transcript NM_002303.6 (MANE Select); 10 bases into the intron after coding-DNA position 370, A replaced by G.
Molecular consequence: intron variant.
Genome position (GRCh38, 1-based): chr1:65,570,812, A>G. VCF-style: chr1-65570812-A-G. GRCh37 (hg19) VCF-style: chr1-66036495-A-G.
Other names: c.370+10A>G (NM_001003679.3, NM_001003680.3, NM_001198689.2 and 2 more transcripts).
Identifiers: ClinVar variation 3050576 (VCV003050576.2), dbSNP rs2526437831, ClinGen allele CA2646077382.

ClinVar aggregate classification (germline): Likely benign (0 of 4 stars; one submission).

Conditions:
LEPR-related disorder. Also called: LEPR-related disorders; LEPR-related condition.

Allele frequency attached by ClinVar (database versions not stated): gnomAD exomes below 0.00001.
gnomAD v4.1: 1 of 1,541,284 alleles (0.000065%); highest among the groups gnomAD compares: Non-Finnish European, 0.000087%; no homozygotes.

Submission:

PreventionGenetics, part of Exact Sciences
Classification: Likely benign for LEPR-related condition. Last evaluated: 2019-07-23. Review status: no assertion criteria provided. Collection method: clinical testing. Allele origin: germline.
Comment: This variant is classified as likely benign based on ACMG/AMP sequence variant interpretation guidelines (Richards et al. 2015 PMID: 25741868, with internal and published modifications).